The following is an entry in ClinVar:

NM_001379500.1(COL18A1):c.107-11992A>T

Gene: COL18A1 (collagen type XVIII alpha 1 chain; plus strand). Cytogenetic location: 21q22.3.
Variant type: single nucleotide variant.
Coding change: c.107-11992A>T on transcript NM_001379500.1 (MANE Select); 11992 bases into the intron before coding-DNA position 107, A replaced by T.
Molecular consequence: intron variant. On other transcripts: synonymous variant (1).
Genome position (GRCh38, 1-based): chr21:45,456,250, A>T. VCF-style: chr21-45456250-A-T. GRCh37 (hg19) VCF-style: chr21-46876164-A-T.
Other names: c.720A>T, p.Gly240= (NM_130444.3); c.646+74A>T (NM_030582.4); c.720A>T (NM_130444.2).
Identifiers: ClinVar variation 4946566 (VCV004946566.2).
Genomic context (GRCh38, chr21:45,456,250, plus strand): 5'-CTCCTCCTTGCTGGGCGGGGCCCCTCCCTGGGGAAGCCTGCAGGACCCAGACAGCCAAGG[A>T]CTCTCGCCCGCCGCAGCCGCTCCCAGCCAGCAGCTCCAACGCCCTGACGTCCGCCTGCGC-3'

ClinVar aggregate classification (germline): Likely benign. Review status: criteria provided, multiple submitters, no conflicts (2 of 4 stars). 2 submissions from 2 submitters: Likely benign (2). Last evaluated 2026-01-13.

Conditions:
COL18A1-related disorder. Also called: COL18A1-related condition; COL18A1-related disorders.

gnomAD v4.1: 33 of 1,572,548 alleles (0.0021%); highest among the groups gnomAD compares: South Asian, 0.038%; no homozygotes.

Submissions (2):

PreventionGenetics, part of Exact Sciences
Classification: Likely benign for COL18A1-related condition. Last evaluated: 2026-01-13. Review status: criteria provided, single submitter. Criteria: ACMG Guidelines, 2015. Collection method: clinical testing. Allele origin: germline.
Comment: This variant is classified as likely benign based on ACMG/AMP sequence variant interpretation guidelines (Richards et al. 2015 PMID: 25741868, with internal and published modifications).

Blueprint Genetics
Classification: Likely benign. Last evaluated: 2022-04-25. Review status: criteria provided, single submitter. Criteria: ACMG Guidelines, 2015. Collection method: clinical testing. Allele origin: germline.